The following is an entry in ClinVar:

ClinVar aggregate classification (germline): Uncertain significance (1 of 4 stars; one submission).

Submission:

Labcorp Genetics (formerly Invitae), Labcorp
Classification: Uncertain significance. Last evaluated: 2024-04-30. Review status: criteria provided, single submitter. Criteria: Invitae Variant Classification Sherloc (09022015). Collection method: clinical testing. Allele origin: germline.
Comment: This sequence change replaces alanine, which is neutral and non-polar, with glycine, which is neutral and non-polar, at codon 214 of the WFS1 protein (p.Ala214Gly). This variant is not present in population databases (gnomAD no frequency). This variant has not been reported in the literature in individuals affected with WFS1-related conditions. ClinVar contains an entry for this variant (Variation ID: 1428467). Advanced modeling of protein sequence and biophysical properties (such as structural, functional, and spatial information, amino acid conservation, physicochemical variation, residue mobility, and thermodynamic stability) performed at Invitae indicates that this missense variant is not expected to disrupt WFS1 protein function with a negative predictive value of 95%. In summary, the available evidence is currently insufficient to determine the role of this variant in disease. Therefore, it has been classified as a Variant of Uncertain Significance.

NM_006005.3(WFS1):c.641C>G (p.Ala214Gly)

Gene: WFS1 (wolframin ER transmembrane glycoprotein; plus strand). Cytogenetic location: 4p16.1.
Variant type: single nucleotide variant.
Coding change: c.641C>G on transcript NM_006005.3 (MANE Select); coding-DNA position 641, C replaced by G.
Protein change: p.Ala214Gly; replaces alanine 214 with glycine.
Molecular consequence: missense variant.
Genome position (GRCh38, 1-based): chr4:6,291,926, C>G. VCF-style: chr4-6291926-C-G. GRCh37 (hg19) VCF-style: chr4-6293653-C-G.
Other names: c.641C>G, p.Ala214Gly (NM_001145853.1); short protein forms A214G.
Identifiers: ClinVar variation 1428467 (VCV001428467.8), dbSNP rs750861249, ClinGen allele CA356172218.
Genomic context (GRCh38, chr4:6,291,926, plus strand): 5'-ACGAGGAGATAGTCAACTTGTCTGACTGTTAATCCACCCTGTCCCCTGCAGATGGAGGGG[C>G]GCAGCCAGGCCCCGTGCCCAAGTCCCTGCAGAAGCAGAGGCGCATGCTGGAGCGCCTGGT-3'
Protein context (NP_005996.2, residues 204-224): VGQVNEHDGG[Ala214Gly]QPGPVPKSLQ